The following is an entry in ClinVar:

NM_004304.5(ALK):c.3521T>G (p.Phe1174Cys)

Gene: ALK (ALK receptor tyrosine kinase; minus strand). Cytogenetic location: 2p23.2.
Variant type: single nucleotide variant.
Coding change: c.3521T>G on transcript NM_004304.5 (MANE Select); coding-DNA position 3521, T replaced by G.
Protein change: p.Phe1174Cys; replaces phenylalanine 1174 with cysteine.
Molecular consequence: missense variant.
Genome position (GRCh38, 1-based): chr2:29,220,830, A>C on the plus strand (T>G on the coding strand, the complement: ALK is on the minus strand). VCF-style: chr2-29220830-A-C. GRCh37 (hg19) VCF-style: chr2-29443696-A-C.
Other names: c.317T>G, p.Phe106Cys (NM_001353765.2); c.3521T>G (NM_004304.4); short protein forms F1174C, F106C.
Identifiers: ClinVar variation 375887 (VCV000375887.3), dbSNP rs1057519697, ClinGen allele CA16602370.
Genomic context (GRCh38, chr2:29,220,830, plus strand): 5'-ATGAACCGGGGCAGGGATTGCAGGCTCACCCCAATGCAGCGAACAATGTTCTGGTGGTTG[A>C]ATTTGCTGCAGAGCAGAGAGGGATGTAACCAAAATTAACTGAGCTGAGTCTGGGCAAATC-3'
Protein context (NP_004295.2, residues 1164-1184): FLMEALIISK[Phe1174Cys]NHQNIVRCIG

ClinVar aggregate classification (germline): Likely pathogenic (1 of 4 stars; one submission).
ClinVar aggregate classification (somatic clinical impact): Tier I - Strong (1 of 4 stars; one submission).

Conditions:
ALK-related disorder. Also called: ALK-related condition.
Neuroblastoma (NB). Identifiers: Orphanet 635, MedGen C0027819, MeSH D009447, MONDO:0005072, HP:0003006.

Submissions (2):

Institute for Genomic Medicine (IGM) Clinical Laboratory, Nationwide Children's Hospital
Classification: Tier I - Strong for Neuroblastoma. Assertion type: diagnostic. Clinical significance: supports diagnosis. Last evaluated: 2024-02-23. Review status: criteria provided, single submitter. Criteria: AMP/ASCO/CAP Guidelines, 2017. Collection method: clinical testing. Allele origin: somatic. Affected: yes.
Comment: Variant has Tier I (strong) clinical significance as a diagnostic inclusion criterion in neuroblastoma, based on the following evidence: 1) Documented in one or more cancer databases (e.g., St. Jude Pecan, COSMIC, CIViC, OncoKB). 2) Appears in one or more well-established professional guidelines (e.g., World Health Organization [WHO]; National Comprehensive Cancer Network [NCCN]) as providing diagnostic, prognostic, or therapeutic information. 3) Diagnostic for a specific tumor type/classification based on well-powered studies with expert-level consensus (Evidence Level B; PMIDs: 21632861, 23334666, 18923523, 18923524, 2551774).

PreventionGenetics, part of Exact Sciences
Classification: Likely pathogenic for ALK-related condition. Last evaluated: 2023-05-11. Review status: criteria provided, single submitter. Criteria: ACMG Guidelines, 2015. Collection method: clinical testing. Allele origin: germline.
Comment: The ALK c.3521T>G variant is predicted to result in the amino acid substitution p.Phe1174Cys. This variant has been reported in somatic context in neuroblastoma tumors (Chang et al. 2015. PubMed ID: 26619011; Janoueix-Lerosey et al 2008. PubMed ID: 18923523). This variant has not been reported in a large population database, indicating this variant is rare. Other variants at this codon p.Phe1174Val/Leu/Ile/Gln have been reported in somatic context in neuroblastoma and other tumor types and have been shown to be gain-of-function mutations (Chang et al. 2015. PubMed ID: 26619011; Janoueix-Lerosey et al. 2008. PubMed ID: 18923523; Bresler et al. 2011. PubMed ID: 22072639; Schönherr et al 2011. PubMed ID: 21838707). However, this gene-disease association has not been definitively established. This variant is interpreted as likely pathogenic.

Literature cited by the submitters: PubMed 21632861 (cited by Institute for Genomic Medicine (IGM) Clinical Laboratory, Nationwide Children's Hospital); PubMed 23334666 (cited by Institute for Genomic Medicine (IGM) Clinical Laboratory, Nationwide Children's Hospital); PubMed 18923523 (cited by Institute for Genomic Medicine (IGM) Clinical Laboratory, Nationwide Children's Hospital); PubMed 18923524 (cited by Institute for Genomic Medicine (IGM) Clinical Laboratory, Nationwide Children's Hospital); PubMed 2551774 (cited by Institute for Genomic Medicine (IGM) Clinical Laboratory, Nationwide Children's Hospital).